The following is an entry in ClinVar:

ClinVar aggregate classification (germline): Conflicting classifications of pathogenicity. Review status: criteria provided, conflicting classifications (1 of 4 stars). 5 submissions from 5 submitters: Uncertain significance (2); Likely benign (3). Last evaluated 2025-11-22.

Conditions:
Familial thoracic aortic aneurysm and aortic dissection (TAAD). Also called: Thoracic aortic aneurysms and dissections. Identifiers: Orphanet 91387, MedGen C4707243, MONDO:0019625.
Congenital contractural arachnodactyly (CCA). Also called: BEALS SYNDROME; Beals-Hecht syndrome; Arthrogryposis, distal, type 9. Identifiers: Orphanet 115, MedGen C0220668, MONDO:0007363, OMIM 121050.

Allele frequency attached by ClinVar (database versions not stated): gnomAD exomes 0.00003 and 0.00008; TOPMed 0.00003; gnomAD 0.00004; ExAC 0.00007.
gnomAD v4.1: 48 of 1,613,314 alleles (0.003%); highest among the groups gnomAD compares: East Asian, 0.06%; no homozygotes.

Submissions (5):

Labcorp Genetics (formerly Invitae), Labcorp
Classification: Likely benign for Congenital contractural arachnodactyly. Last evaluated: 2025-11-22. Review status: criteria provided, single submitter. Criteria: Invitae Variant Classification Sherloc (09022015). Collection method: clinical testing. Allele origin: germline.

ARUP Laboratories, Molecular Genetics and Genomics, ARUP Laboratories
Classification: Uncertain significance. Last evaluated: 2023-07-27. Review status: criteria provided, single submitter. Criteria: ARUP Molecular Germline Variant Investigation Process 2024. Collection method: clinical testing. Allele origin: germline.
Comment: The FBN2 c.6073G>A; p.Gly2025Ser variant (rs772994944), to our knowledge, is not reported in the medical literature in association with a FBN2-related disorder but is reported in ClinVar (Variation ID: 213417). This variant is found in the East Asian population with an allele frequency of 0.0953% (19/19,930 alleles) in the Genome Aggregation Database. Computational analyses are uncertain whether this variant is neutral or deleterious (REVEL: 0.621). Due to limited information, the clinical significance of this variant is uncertain at this time.

Blueprint Genetics
Classification: Likely benign. Last evaluated: 2023-05-03. Review status: criteria provided, single submitter. Criteria: ACMG Guidelines, 2015. Collection method: clinical testing. Allele origin: germline.

GeneDx
Classification: Uncertain significance. Last evaluated: 2022-01-13. Review status: criteria provided, single submitter. Criteria: GeneDx Variant Classification Process June 2021. Collection method: clinical testing. Allele origin: germline. Affected: yes.
Comment: Has not been previously published as pathogenic in association with a FBN2-related disorder to our knowledge; In silico analysis supports that this missense variant has a deleterious effect on protein structure/function; Although located in a calcium-binding EGF-like domain of the FBN2 gene, it does not affect a cysteine residue within this domain; cysteine substitutions in the calcium-binding EGF-like domains represent the majority of pathogenic missense changes associated with FBN2-related disorders (Frdric et al., 2009); Reported in ClinVar (ClinVar Variant ID# 213417); This variant is associated with the following publications: (PMID: 18767143, 30257206)

Ambry Genetics
Classification: Likely benign for Familial thoracic aortic aneurysm and aortic dissection. Last evaluated: 2019-05-01. Review status: criteria provided, single submitter. Criteria: Ambry Variant Classification Scheme 2023. Collection method: clinical testing. Allele origin: germline.

NM_001999.4(FBN2):c.6073G>A (p.Gly2025Ser)

Gene: FBN2 (fibrillin 2; minus strand). Cytogenetic location: 5q23.3.
Variant type: single nucleotide variant.
Coding change: c.6073G>A on transcript NM_001999.4 (MANE Select); coding-DNA position 6073, G replaced by A.
Protein change: p.Gly2025Ser; replaces glycine 2025 with serine.
Molecular consequence: missense variant.
Genome position (GRCh38, 1-based): chr5:128,300,910, C>T on the plus strand (G>A on the coding strand, the complement: FBN2 is on the minus strand). VCF-style: chr5-128300910-C-T. GRCh37 (hg19) VCF-style: chr5-127636602-C-T.
Other names: short protein forms G2025S.
Identifiers: ClinVar variation 213417 (VCV000213417.15), dbSNP rs772994944, ClinGen allele CA320255.